The following is an entry in ClinVar:

NM_004006.3(DMD):c.100A>G (p.Lys34Glu)

Gene: DMD (dystrophin; minus strand). Cytogenetic location: Xp21.1.
Variant type: single nucleotide variant.
Coding change: c.100A>G on transcript NM_004006.3 (MANE Select); coding-DNA position 100, A replaced by G.
Protein change: p.Lys34Glu; replaces lysine 34 with glutamic acid.
Molecular consequence: missense variant. On other transcripts: 5 prime UTR variant (1).
Genome position (GRCh38, 1-based): chrX:32,849,814, T>C on the plus strand (A>G on the coding strand, the complement: DMD is on the minus strand). VCF-style: chrX-32849814-T-C. GRCh37 (hg19) VCF-style: chrX-32867931-T-C.
Other names: c.76A>G, p.Lys26Glu (NM_000109.4); c.88A>G, p.Lys30Glu (NM_004009.3); c.-270A>G (NM_004010.3); short protein forms K34E, K30E, K26E.
Identifiers: ClinVar variation 498903 (VCV000498903.12), dbSNP rs1557084280, ClinGen allele CA412674997.

ClinVar aggregate classification (germline): Uncertain significance. Review status: criteria provided, multiple submitters, no conflicts (2 of 4 stars). 3 submissions from 3 submitters: Uncertain significance (2). 1 of the submissions does not count toward it. Last evaluated 2025-10-02.

Conditions:
Duchenne muscular dystrophy (DMD). Also called: MUSCULAR DYSTROPHY, PSEUDOHYPERTROPHIC PROGRESSIVE, DUCHENNE TYPE; Duchenne Muscular Dystrophy (DMD). Identifiers: Orphanet 98896, MedGen C0013264, MONDO:0010679, OMIM 310200.
Cardiomyopathy (CMYO). Also called: Cardiomyopathies. Identifiers: Orphanet 167848, MedGen C0878544, MONDO:0004994, HP:0001638. Inheritance: Various modes of inheritance.
Becker muscular dystrophy (BMD). Also called: MUSCULAR DYSTROPHY, PSEUDOHYPERTROPHIC PROGRESSIVE, BECKER TYPE; Becker Muscular Dystrophy (BMD). Identifiers: Orphanet 98895, MedGen C0917713, MONDO:0010311, OMIM 300376.
Dystrophin deficiency.

Submissions (3):

Labcorp Genetics (formerly Invitae), Labcorp
Classification: Uncertain significance for Duchenne muscular dystrophy. Last evaluated: 2025-10-02. Review status: criteria provided, single submitter. Criteria: Invitae Variant Classification Sherloc (09022015). Collection method: clinical testing. Allele origin: germline.
Comment: This sequence change replaces lysine, which is basic and polar, with glutamic acid, which is acidic and polar, at codon 34 of the DMD protein (p.Lys34Glu). This variant is not present in population databases (gnomAD no frequency). This variant has not been reported in the literature in individuals affected with DMD-related conditions. ClinVar contains an entry for this variant (Variation ID: 498903). Invitae Evidence Modeling of protein sequence and biophysical properties (such as structural, functional, and spatial information, amino acid conservation, physicochemical variation, residue mobility, and thermodynamic stability) indicates that this missense variant is not expected to disrupt DMD protein function with a negative predictive value of 95%. In summary, the available evidence is currently insufficient to determine the role of this variant in disease. Therefore, it has been classified as a Variant of Uncertain Significance.

Eurofins Ntd Llc (ga)
Classification: Uncertain significance. Last evaluated: 2016-12-02. Review status: criteria provided, single submitter. Criteria: EGL Classification Definitions 2015. Collection method: clinical testing. Allele origin: germline. Observed: 1 variant allele, 1 heterozygote.

Natera, Inc.
Classification: Uncertain significance for Becker muscular dystrophy; Cardiomyopathy; Duchenne muscular dystrophy; Dystrophin deficiency. Last evaluated: 2019-09-23. Review status: no assertion criteria provided. Collection method: clinical testing. Allele origin: germline. Not counted in ClinVar's aggregate classification.